The following is an entry in ClinVar:

NM_002857.4(PEX19):c.788A>G (p.His263Arg)

Gene: PEX19 (peroxisomal biogenesis factor 19; minus strand). Cytogenetic location: 1q23.2.
Variant type: single nucleotide variant.
Coding change: c.788A>G on transcript NM_002857.4 (MANE Select); coding-DNA position 788, A replaced by G.
Protein change: p.His263Arg; replaces histidine 263 with arginine.
Molecular consequence: missense variant. On other transcripts: non-coding transcript variant (2).
Genome position (GRCh38, 1-based): chr1:160,279,829, T>C on the plus strand (A>G on the coding strand, the complement: PEX19 is on the minus strand). VCF-style: chr1-160279829-T-C. GRCh37 (hg19) VCF-style: chr1-160249619-T-C.
Other names: c.788A>G, p.His263Arg (NM_001193644.1); short protein forms H263R.
Identifiers: ClinVar variation 1381296 (VCV001381296.3), dbSNP rs762620480, ClinGen allele CA1197232.

ClinVar aggregate classification (germline): Uncertain significance (1 of 4 stars; one submission).

Conditions:
Peroxisome biogenesis disorder 12A (Zellweger). Also called: Peroxisome biogenesis disorder 12A. Identifiers: Orphanet 912, MedGen C3554002, MONDO:0013951, OMIM 614886.

Allele frequency attached by ClinVar (database versions not stated): gnomAD exomes below 0.00001; ExAC 0.00001.

Submission:

Labcorp Genetics (formerly Invitae), Labcorp
Classification: Uncertain significance for Peroxisome biogenesis disorder 12A (Zellweger). Last evaluated: 2022-08-09. Review status: criteria provided, single submitter. Criteria: Invitae Variant Classification Sherloc (09022015). Collection method: clinical testing. Allele origin: germline.
Comment: This sequence change replaces histidine, which is basic and polar, with arginine, which is basic and polar, at codon 263 of the PEX19 protein (p.His263Arg). This variant is present in population databases (rs762620480, gnomAD 0.003%). This variant has not been reported in the literature in individuals affected with PEX19-related conditions. ClinVar contains an entry for this variant (Variation ID: 1381296). Algorithms developed to predict the effect of missense changes on protein structure and function are either unavailable or do not agree on the potential impact of this missense change (SIFT: "Tolerated"; PolyPhen-2: "Possibly Damaging"; Align-GVGD: "Class C0"). In summary, the available evidence is currently insufficient to determine the role of this variant in disease. Therefore, it has been classified as a Variant of Uncertain Significance.